The following is an entry in ClinVar:

ClinVar aggregate classification (germline): Uncertain significance. Review status: criteria provided, multiple submitters, no conflicts (2 of 4 stars). 2 submissions from 2 submitters: Uncertain significance (2). Last evaluated 2024-05-24.

Conditions:
Fraser syndrome 1 (FRASRS1). Also called: CRYPTOPHTHALMOS WITH OTHER MALFORMATIONS. Identifiers: Orphanet 2052, MedGen C4551480, MONDO:0054737, OMIM 219000.

Allele frequency attached by ClinVar (database versions not stated): gnomAD exomes 0.00001; ExAC 0.00002; TOPMed 0.00003.
gnomAD v4.1: 13 of 1,613,848 alleles (0.00081%); highest among the groups gnomAD compares: Admixed American, 0.018%; no homozygotes.

Submissions (2):

Fulgent Genetics
Classification: Uncertain significance for Fraser syndrome 1. Last evaluated: 2024-05-24. Review status: criteria provided, single submitter. Criteria: ACMG Guidelines, 2015. Collection method: clinical testing. Allele origin: germline.

Labcorp Genetics (formerly Invitae), Labcorp
Classification: Uncertain significance. Last evaluated: 2022-03-22. Review status: criteria provided, single submitter. Criteria: Invitae Variant Classification Sherloc (09022015). Collection method: clinical testing. Allele origin: germline.
Comment: This sequence change replaces serine, which is neutral and polar, with glycine, which is neutral and non-polar, at codon 1932 of the FRAS1 protein (p.Ser1932Gly). This variant is present in population databases (rs753876574, gnomAD 0.02%). This variant has not been reported in the literature in individuals affected with FRAS1-related conditions. Algorithms developed to predict the effect of missense changes on protein structure and function (SIFT, PolyPhen-2, Align-GVGD) all suggest that this variant is likely to be disruptive. In summary, the available evidence is currently insufficient to determine the role of this variant in disease. Therefore, it has been classified as a Variant of Uncertain Significance.

NM_025074.7(FRAS1):c.5794A>G (p.Ser1932Gly)

Gene: FRAS1 (Fraser extracellular matrix complex subunit 1; plus strand). Cytogenetic location: 4q21.21.
Variant type: single nucleotide variant.
Coding change: c.5794A>G on transcript NM_025074.7 (MANE Select); coding-DNA position 5794, A replaced by G.
Protein change: p.Ser1932Gly; replaces serine 1932 with glycine.
Molecular consequence: missense variant.
Genome position (GRCh38, 1-based): chr4:78,445,650, A>G. VCF-style: chr4-78445650-A-G. GRCh37 (hg19) VCF-style: chr4-79366804-A-G.
Other names: c.5794A>G, p.Ser1932Gly (NM_001166133.2); short protein forms S1932G.
Identifiers: ClinVar variation 2174114 (VCV002174114.2), dbSNP rs753876574, ClinGen allele CA2977607.